The following is an entry in ClinVar:

NM_174934.4(SCN4B):c.160A>C (p.Thr54Pro)

Gene: SCN4B (sodium voltage-gated channel beta subunit 4; minus strand). Cytogenetic location: 11q23.3.
Variant type: single nucleotide variant.
Coding change: c.160A>C on transcript NM_174934.4 (MANE Select); coding-DNA position 160, A replaced by C.
Protein change: p.Thr54Pro; replaces threonine 54 with proline.
Molecular consequence: missense variant. On other transcripts: 5 prime UTR variant (1), non-coding transcript variant (1), intron variant (1).
Genome position (GRCh38, 1-based): chr11:118,145,131, T>G on the plus strand (A>C on the coding strand, the complement: SCN4B is on the minus strand). VCF-style: chr11-118145131-T-G. GRCh37 (hg19) VCF-style: chr11-118015846-T-G.
Other names: c.-171A>C (NM_001142349.2); c.62-3795A>C (NM_001142348.2); short protein forms T54P.
Identifiers: ClinVar variation 2843439 (VCV002843439.3), dbSNP rs1591436750, ClinGen allele CA382778744.

ClinVar aggregate classification (germline): Uncertain significance (1 of 4 stars; one submission).

Conditions:
Long QT syndrome 10 (LQT10). Identifiers: Orphanet 101016, Orphanet 768, MedGen C2678484, MONDO:0012737, OMIM 611819.

Submission:

Labcorp Genetics (formerly Invitae), Labcorp
Classification: Uncertain significance for Long QT syndrome 10. Last evaluated: 2023-04-13. Review status: criteria provided, single submitter. Criteria: Invitae Variant Classification Sherloc (09022015). Collection method: clinical testing. Allele origin: germline.
Comment: This sequence change replaces threonine, which is neutral and polar, with proline, which is neutral and non-polar, at codon 54 of the SCN4B protein (p.Thr54Pro). In summary, the available evidence is currently insufficient to determine the role of this variant in disease. Therefore, it has been classified as a Variant of Uncertain Significance. An algorithm developed to predict the effect of missense changes on protein structure and function (PolyPhen-2) suggests that this variant is likely to be disruptive. This variant has not been reported in the literature in individuals affected with SCN4B-related conditions. This variant is not present in population databases (gnomAD no frequency).